The following is an entry in ClinVar:

NM_024513.4(FYCO1):c.260G>A (p.Gly87Glu)

Gene: FYCO1 (FYVE and coiled-coil domain autophagy adaptor 1; minus strand). Cytogenetic location: 3p21.31.
Variant type: single nucleotide variant.
Coding change: c.260G>A on transcript NM_024513.4 (MANE Select); coding-DNA position 260, G replaced by A.
Protein change: p.Gly87Glu; replaces glycine 87 with glutamic acid.
Molecular consequence: missense variant. On other transcripts: non-coding transcript variant (1), intron variant (1).
Genome position (GRCh38, 1-based): chr3:45,979,733, C>T on the plus strand (G>A on the coding strand, the complement: FYCO1 is on the minus strand). VCF-style: chr3-45979733-C-T. GRCh37 (hg19) VCF-style: chr3-46021225-C-T.
Other names: c.260G>A, p.Gly87Glu (NM_001386421.1, NM_001386422.1, NM_001386423.1 and 5 more transcripts); c.140G>A, p.Gly47Glu (NM_001386426.1); c.-62+5123G>A (NM_001386430.1); short protein forms G87E, G47E.
Identifiers: ClinVar variation 2210486 (VCV002210486.3), dbSNP rs1294936088, ClinGen allele CA352442604.

ClinVar aggregate classification (germline): Uncertain significance. Review status: criteria provided, multiple submitters, no conflicts (2 of 4 stars). 2 submissions from 2 submitters: Uncertain significance (2). Last evaluated 2025-06-11.

Conditions:
Cataract 18 (CATC2). Also called: CATARACT 18, AUTOSOMAL RECESSIVE. Identifiers: Orphanet 91492, Orphanet 98991, Orphanet 98992, Orphanet 98995, MedGen C1864908, MONDO:0012395, OMIM 610019.
Inborn genetic diseases. Identifiers: MedGen C0950123, MeSH D030342.

Allele frequency attached by ClinVar (database versions not stated): gnomAD exomes 0.00001.
gnomAD v4.1: 10 of 1,614,064 alleles (0.00062%); highest among the groups gnomAD compares: Admixed American, 0.0033%; no homozygotes.

Submissions (2):

Labcorp Genetics (formerly Invitae), Labcorp
Classification: Uncertain significance for Cataract 18. Last evaluated: 2025-06-11. Review status: criteria provided, single submitter. Criteria: Invitae Variant Classification Sherloc (09022015). Collection method: clinical testing. Allele origin: germline.
Comment: This sequence change replaces glycine, which is neutral and non-polar, with glutamic acid, which is acidic and polar, at codon 87 of the FYCO1 protein (p.Gly87Glu). This variant is present in population databases (no rsID available, gnomAD 0.003%). This missense change has been observed in individual(s) with congenital cataracts (internal data). In at least one individual the data is consistent with being in trans (on the opposite chromosome) from a pathogenic variant. ClinVar contains an entry for this variant (Variation ID: 2210486). An algorithm developed to predict the effect of missense changes on protein structure and function (PolyPhen-2) suggests that this variant is likely to be disruptive. In summary, the available evidence is currently insufficient to determine the role of this variant in disease. Therefore, it has been classified as a Variant of Uncertain Significance.

Ambry Genetics
Classification: Uncertain significance for Inborn genetic diseases. Last evaluated: 2021-10-12. Review status: criteria provided, single submitter. Criteria: Ambry Variant Classification Scheme 2023. Collection method: clinical testing. Allele origin: germline.